The following is an entry in ClinVar:

NM_003183.6(ADAM17):c.851T>C (p.Ile284Thr)

Gene: ADAM17 (ADAM metallopeptidase domain 17; minus strand). Cytogenetic location: 2p25.1.
Variant type: single nucleotide variant.
Coding change: c.851T>C on transcript NM_003183.6 (MANE Select); coding-DNA position 851, T replaced by C.
Protein change: p.Ile284Thr; replaces isoleucine 284 with threonine.
Molecular consequence: missense variant. On other transcripts: 5 prime UTR variant (1).
Genome position (GRCh38, 1-based): chr2:9,521,309, A>G on the plus strand (T>C on the coding strand, the complement: ADAM17 is on the minus strand). VCF-style: chr2-9521309-A-G. GRCh37 (hg19) VCF-style: chr2-9661438-A-G.
Other names: c.191T>C, p.Ile64Thr (NM_001382777.1); c.-47T>C (NM_001382778.1); short protein forms I284T, I64T.
Identifiers: ClinVar variation 997097 (VCV000997097.4), dbSNP rs1664299326, ClinGen allele CA345781416.

ClinVar aggregate classification (germline): Conflicting classifications of pathogenicity. Review status: no assertion criteria provided (0 of 4 stars). 2 submissions from 2 submitters: Likely pathogenic (1); Uncertain significance (1). Last evaluated 2026-02-03.

Conditions:
Inflammatory skin and bowel disease, neonatal, 1. Identifiers: Orphanet 294023, MedGen C3280501, MONDO:0013693, OMIM 614328.

Submissions (2):

OMIM
Classification: Uncertain significance for VARIANT OF UNKNOWN SIGNIFICANCE. Last evaluated: 2026-02-03. Review status: no assertion criteria provided. Collection method: literature only. Allele origin: germline.

Hacettepe Dept. of Bioinformatics Rare Diseases Research Center, Institute of Health Sciences
Classification: Likely pathogenic for Inflammatory skin and bowel disease, neonatal, 1. Last evaluated: 2020-01-27. Review status: no assertion criteria provided. Collection method: clinical testing. Allele origin: germline. Inheritance: Autosomal recessive inheritance. Affected: yes. Observed: 1 variant allele, 1 homozygote.
Comment: The c.851T>C (p.Ile284Thr) located in exon 8 (GRCh37, NM_003183.4) of ADAM17 has not been previously reported in the literature. The variant segregation was validated by Sanger sequencing. The alteration on ADAM17 gave the highest pathogenicity scores and estimated as disease causing within six different variant prediction tools between remaining candidates following whole exome sequencing. This genetic alteration was not present in our in-house database which comprises 408clinically unrelated Turkish individuals. In summary, the c.851T>C; p.Ile284Thr variant meets our criteria to be classified as Likely pathogenic.

Literature cited by the submitters: PubMed 32447396 (cited by OMIM and Hacettepe Dept. of Bioinformatics Rare Diseases Research Center, Institute of Health Sciences); PubMed 22010916 (cited by Hacettepe Dept. of Bioinformatics Rare Diseases Research Center, Institute of Health Sciences).